The following is an entry in ClinVar:

NM_001252024.2(TRPM1):c.4111G>C (p.Ala1371Pro)

Gene: TRPM1 (transient receptor potential cation channel subfamily M member 1; minus strand). Cytogenetic location: 15q13.3.
Variant type: single nucleotide variant.
Coding change: c.4111G>C on transcript NM_001252024.2 (MANE Select); coding-DNA position 4111, G replaced by C.
Protein change: p.Ala1371Pro; replaces alanine 1371 with proline.
Molecular consequence: missense variant.
Genome position (GRCh38, 1-based): chr15:31,002,589, C>G on the plus strand (G>C on the coding strand, the complement: TRPM1 is on the minus strand). VCF-style: chr15-31002589-C-G. GRCh37 (hg19) VCF-style: chr15-31294792-C-G.
Other names: c.4045G>C (NM_002420.4); c.4162G>C, p.Ala1388Pro (NM_001252020.2); c.4045G>C, p.Ala1349Pro (NM_002420.6); short protein forms A1371P, A1388P, A1349P.
Identifiers: ClinVar variation 1931419 (VCV001931419.7), dbSNP rs117777759, ClinGen allele CA7451696.
Genomic context (GRCh38, chr15:31,002,589, plus strand): 5'-TCTGTCTTTCATCATCTTCCTTTGAAATCCCAATATCTGGACCTAATTTTGACTCTTCAG[C>G]GTTCTTTAAGTCATCTACTGCAAGGTGACTGCCATCTGGGGTTGCTGATGTGCTTGTGCC-3'
Protein context (NP_001238953.1, residues 1361-1381): SHLAVDDLKN[Ala1371Pro]EESKLGPDIG

ClinVar aggregate classification (germline): Uncertain significance. Review status: criteria provided, multiple submitters, no conflicts (2 of 4 stars). 3 submissions from 3 submitters: Uncertain significance (3). Last evaluated 2024-03-04.

Conditions:
Inborn genetic diseases. Identifiers: MedGen C0950123, MeSH D030342.

gnomAD v4.1: 28 of 1,614,114 alleles (0.0017%); highest among the groups gnomAD compares: Non-Finnish European, 0.0023%; no homozygotes.

Submissions (3):

Ambry Genetics
Classification: Uncertain significance for Inborn genetic diseases. Last evaluated: 2024-03-04. Review status: criteria provided, single submitter. Criteria: Ambry Variant Classification Scheme 2023. Collection method: clinical testing. Allele origin: germline.

Labcorp Genetics (formerly Invitae), Labcorp
Classification: Uncertain significance. Last evaluated: 2022-07-12. Review status: criteria provided, single submitter. Criteria: Invitae Variant Classification Sherloc (09022015). Collection method: clinical testing. Allele origin: germline.
Comment: This sequence change replaces alanine, which is neutral and non-polar, with proline, which is neutral and non-polar, at codon 1349 of the TRPM1 protein (p.Ala1349Pro). This variant is present in population databases (rs117777759, gnomAD 0.007%). This variant has not been reported in the literature in individuals affected with TRPM1-related conditions. Algorithms developed to predict the effect of missense changes on protein structure and function output the following: SIFT: "Tolerated"; PolyPhen-2: "Benign"; Align-GVGD: "Class C0". The proline amino acid residue is found in multiple mammalian species, which suggests that this missense change does not adversely affect protein function. In summary, the available evidence is currently insufficient to determine the role of this variant in disease. Therefore, it has been classified as a Variant of Uncertain Significance.

Blueprint Genetics
Classification: Uncertain significance. Last evaluated: 2018-10-30. Review status: criteria provided, single submitter. Criteria: ACMG Guidelines, 2015. Collection method: clinical testing. Allele origin: germline.